The following is an entry in ClinVar:

ClinVar aggregate classification (germline): Likely benign (1 of 4 stars; one submission).

Allele frequency attached by ClinVar (database versions not stated): 1000 Genomes Project 30x 0.00344; 1000 Genomes Project 0.00399; ExAC 0.00453; ESP Exome Variant Server 0.00584.
gnomAD v4.1: 10,038 of 1,614,152 alleles (0.62%); highest among the groups gnomAD compares: Non-Finnish European, 0.75%; 49 homozygotes.

Submission:

CeGaT Center for Human Genetics Tuebingen
Classification: Likely benign. Last evaluated: 2023-01-01. Review status: criteria provided, single submitter. Criteria: CeGaT Center For Human Genetics Tuebingen Variant Classification Criteria Version 2. Collection method: clinical testing. Allele origin: germline. Affected: yes. Observed: 1 variant allele.
Comment: MTUS1: BP4, BS2

NM_001363059.2(MTUS1):c.1930A>C (p.Lys644Gln)

Gene: MTUS1 (microtubule associated scaffold protein 1; minus strand). Cytogenetic location: 8p22.
Variant type: single nucleotide variant.
Coding change: c.1930A>C on transcript NM_001363059.2 (MANE Select); coding-DNA position 1930, A replaced by C.
Protein change: p.Lys644Gln; replaces lysine 644 with glutamine.
Molecular consequence: missense variant. On other transcripts: non-coding transcript variant (1).
Genome position (GRCh38, 1-based): chr8:17,753,878, T>G on the plus strand (A>C on the coding strand, the complement: MTUS1 is on the minus strand). VCF-style: chr8-17753878-T-G. GRCh37 (hg19) VCF-style: chr8-17611387-T-G.
Other names: c.1930A>C, p.Lys644Gln (NM_001001924.3, NM_001001925.3, NM_001363057.2 and 4 more transcripts); short protein forms K644Q.
Identifiers: ClinVar variation 2658446 (VCV002658446.24), dbSNP rs144780663, ClinGen allele CA4647000.